The following is an entry in ClinVar:

ClinVar aggregate classification (germline): Uncertain significance. Review status: criteria provided, multiple submitters, no conflicts (2 of 4 stars). 3 submissions from 3 submitters: Uncertain significance (3). Last evaluated 2024-11-04.

Conditions:
Hereditary cancer-predisposing syndrome. Also called: Tumor predisposition; Hereditary neoplastic syndrome; Neoplastic Syndromes, Hereditary; Hereditary Cancer Syndrome. Identifiers: Orphanet 140162, MedGen C0027672, MeSH D009386, MONDO:0015356.
Familial adenomatous polyposis 1 (FAP1). Also called: FAMILIAL ADENOMATOUS POLYPOSIS 1, ATTENUATED; POLYPOSIS, ADENOMATOUS INTESTINAL. Identifiers: MedGen C2713442, MONDO:0021056, OMIM 175100. Disease mechanism: loss of function.

Allele frequency attached by ClinVar (database versions not stated): gnomAD exomes below 0.00001 and 0.00001; ExAC 0.00002.
gnomAD v4.1: 2 of 1,611,154 alleles (0.00012%); highest among the groups gnomAD compares: Non-Finnish European, 0.000085%; no homozygotes.

Submissions (3):

Ambry Genetics
Classification: Uncertain significance for Hereditary cancer-predisposing syndrome. Last evaluated: 2024-11-04. Review status: criteria provided, single submitter. Criteria: Ambry Variant Classification Scheme 2023. Collection method: clinical testing. Allele origin: germline.
Comment: The p.P2170L variant (also known as c.6509C>T), located in coding exon 15 of the APC gene, results from a C to T substitution at nucleotide position 6509. The proline at codon 2170 is replaced by leucine, an amino acid with similar properties. This amino acid position is well conserved in available vertebrate species. In addition, in silico predictors for this gene do not accurately predict pathogenicity. Missense alterations in APC are not a common cause of disease (Spier I et al. Genet Med. 2024 Feb;26(2):100992). Based on the available evidence, the clinical significance of this variant remains unclear.

Color Diagnostics, LLC DBA Color Health
Classification: Uncertain significance for Hereditary cancer-predisposing syndrome. Last evaluated: 2022-12-05. Review status: criteria provided, single submitter. Criteria: ACMG Guidelines, 2015. Collection method: clinical testing. Allele origin: germline.
Comment: This missense variant replaces proline with leucine at codon 2170 of the APC protein. Computational prediction is inconclusive regarding the impact of this variant on protein structure and function (internally defined REVEL score threshold 0.5 < inconclusive < 0.7, PMID: 27666373). To our knowledge, functional studies have not been reported for this variant. This variant has not been reported in individuals affected with APC-related disorders in the literature. This variant has been identified in 2/249392 chromosomes in the general population by the Genome Aggregation Database (gnomAD). The available evidence is insufficient to determine the role of this variant in disease conclusively. Therefore, this variant is classified as a Variant of Uncertain Significance.

Labcorp Genetics (formerly Invitae), Labcorp
Classification: Uncertain significance for Familial adenomatous polyposis 1. Last evaluated: 2022-09-23. Review status: criteria provided, single submitter. Criteria: Invitae Variant Classification Sherloc (09022015). Collection method: clinical testing. Allele origin: germline.
Comment: In summary, the available evidence is currently insufficient to determine the role of this variant in disease. Therefore, it has been classified as a Variant of Uncertain Significance. This variant is present in population databases (rs755786285, gnomAD 0.002%). This sequence change replaces proline, which is neutral and non-polar, with leucine, which is neutral and non-polar, at codon 2170 of the APC protein (p.Pro2170Leu). This variant has not been reported in the literature in individuals affected with APC-related conditions. ClinVar contains an entry for this variant (Variation ID: 1493022). Advanced modeling of protein sequence and biophysical properties (such as structural, functional, and spatial information, amino acid conservation, physicochemical variation, residue mobility, and thermodynamic stability) performed at Invitae indicates that this missense variant is not expected to disrupt APC protein function.

NM_000038.6(APC):c.6509C>T (p.Pro2170Leu)

Gene: APC (APC regulator of Wnt signaling pathway; plus strand). Cytogenetic location: 5q22.2.
Variant type: single nucleotide variant.
Coding change: c.6509C>T on transcript NM_000038.6 (MANE Select); coding-DNA position 6509, C replaced by T.
Protein change: p.Pro2170Leu; replaces proline 2170 with leucine.
Molecular consequence: missense variant.
Genome position (GRCh38, 1-based): chr5:112,842,103, C>T. VCF-style: chr5-112842103-C-T. GRCh37 (hg19) VCF-style: chr5-112177800-C-T.
Other names: c.6509C>T, p.Pro2170Leu (NM_001127510.3, NM_001354895.2); c.6455C>T, p.Pro2152Leu (NM_001127511.3); c.6563C>T, p.Pro2188Leu (NM_001354896.2); c.6539C>T, p.Pro2180Leu (NM_001354897.2); c.6434C>T, p.Pro2145Leu (NM_001354898.2); c.6425C>T, p.Pro2142Leu (NM_001354899.2); c.6386C>T, p.Pro2129Leu (NM_001354900.2); c.6332C>T, p.Pro2111Leu (NM_001354901.2); and 6 more; short protein forms P1887L, P2044L, P2180L, P2010L, P2142L, P2152L, P2188L, P2079L.
Identifiers: ClinVar variation 1493022 (VCV001493022.11), dbSNP rs755786285, ClinGen allele CA045122.
Genomic context (GRCh38, chr5:112,842,103, plus strand): 5'-TTACACCTGATCAAGAAGAAAAACCCTTTACAAGTAATAAAGGCCCACGAATTCTAAAAC[C>T]AGGGGAGAAAAGTACATTGGAAACTAAAAAGATAGAATCTGAAAGTAAAGGAATCAAAGG-3'
Protein context (NP_000029.2, residues 2160-2180): TSNKGPRILK[Pro2170Leu]GEKSTLETKK